The following is an entry in ClinVar:

ClinVar aggregate classification (germline): Uncertain significance. Review status: criteria provided, multiple submitters, no conflicts (2 of 4 stars). 2 submissions from 2 submitters: Uncertain significance (2). Last evaluated 2026-06-02.

Conditions:
Brugada syndrome. Also called: Sudden unexpected nocturnal death syndrome; Sudden unexplained nocturnal death syndrome; Sudden Unexplained Death Syndrome; Sudden Unexplained Nocturnal Death Syndrome (SUNDS). Identifiers: Orphanet 130, MedGen C1142166, MONDO:0015263.
Cardiovascular phenotype. Identifiers: MedGen CN230736.

Allele frequency attached by ClinVar (database versions not stated): TOPMed 0.00001; gnomAD exomes below 0.00001.
gnomAD v4.1: 2 of 1,612,606 alleles (0.00012%); highest among the groups gnomAD compares: Non-Finnish European, 0.00017%; no homozygotes.

Submissions (2):

Ambry Genetics
Classification: Uncertain significance for Cardiovascular phenotype. Last evaluated: 2026-06-02. Review status: criteria provided, single submitter. Criteria: Ambry Variant Classification Scheme 2023. Collection method: clinical testing. Allele origin: germline.
Comment: The p.A104T variant (also known as c.310G>A), located in coding exon 4 of the CACNA2D1 gene, results from a G to A substitution at nucleotide position 310. The alanine at codon 104 is replaced by threonine, an amino acid with similar properties. This amino acid position is highly conserved in available vertebrate species. In addition, the in silico prediction for this alteration is inconclusive. The evidence for this gene-disease relationship is limited; therefore, the clinical significance of this variant is unclear.

Labcorp Genetics (formerly Invitae), Labcorp
Classification: Uncertain significance for Brugada syndrome. Last evaluated: 2024-08-18. Review status: criteria provided, single submitter. Criteria: Invitae Variant Classification Sherloc (09022015). Collection method: clinical testing. Allele origin: germline.
Comment: This sequence change replaces alanine, which is neutral and non-polar, with threonine, which is neutral and polar, at codon 104 of the CACNA2D1 protein (p.Ala104Thr). This variant is not present in population databases (gnomAD no frequency). This variant has not been reported in the literature in individuals affected with CACNA2D1-related conditions. ClinVar contains an entry for this variant (Variation ID: 1983299). An algorithm developed to predict the effect of missense changes on protein structure and function (PolyPhen-2) suggests that this variant is likely to be disruptive. In summary, the available evidence is currently insufficient to determine the role of this variant in disease. Therefore, it has been classified as a Variant of Uncertain Significance.

NM_000722.4(CACNA2D1):c.310G>A (p.Ala104Thr)

Gene: CACNA2D1 (calcium voltage-gated channel auxiliary subunit alpha2delta 1; minus strand). Cytogenetic location: 7q21.11.
Variant type: single nucleotide variant.
Coding change: c.310G>A on transcript NM_000722.4 (MANE Select); coding-DNA position 310, G replaced by A.
Protein change: p.Ala104Thr; replaces alanine 104 with threonine.
Molecular consequence: missense variant.
Genome position (GRCh38, 1-based): chr7:82,170,594, C>T on the plus strand (G>A on the coding strand, the complement: CACNA2D1 is on the minus strand). VCF-style: chr7-82170594-C-T. GRCh37 (hg19) VCF-style: chr7-81799910-C-T.
Other names: c.310G>A, p.Ala104Thr (NM_001302890.2, NM_001366867.1); short protein forms A104T.
Identifiers: ClinVar variation 1983299 (VCV001983299.5), dbSNP rs1296231803, ClinGen allele CA368017479.